The following is an entry in ClinVar:

ClinVar aggregate classification (germline): Pathogenic. Review status: criteria provided, multiple submitters, no conflicts (2 of 4 stars). 2 submissions from 2 submitters: Pathogenic (2). Last evaluated 2024-12-30.

Conditions:
Lissencephaly due to LIS1 mutation (LIS1). Also called: Isolated Lissencephaly Sequence; PAFAH1B1-Associated Lissencephaly/Subcortical Band Heterotopia; PAFAH1B1-Related Lissencephaly/Subcortical Band Heterotopia. Identifiers: Orphanet 95232, MedGen C4749301, MONDO:0011830, OMIM 607432.

Submissions (2):

Labcorp Genetics (formerly Invitae), Labcorp
Classification: Pathogenic. Last evaluated: 2024-12-30. Review status: criteria provided, single submitter. Criteria: Invitae Variant Classification Sherloc (09022015). Collection method: clinical testing. Allele origin: germline.
Comment: This sequence change creates a premature translational stop signal (p.Gln180Serfs*4) in the PAFAH1B1 gene. It is expected to result in an absent or disrupted protein product. Loss-of-function variants in PAFAH1B1 are known to be pathogenic (PMID: 1671808, 11115846, 14581661). This variant is not present in population databases (gnomAD no frequency). This variant has not been reported in the literature in individuals affected with PAFAH1B1-related conditions. ClinVar contains an entry for this variant (Variation ID: 211826). For these reasons, this variant has been classified as Pathogenic.

Genetic Services Laboratory, University of Chicago
Classification: Pathogenic for Lissencephaly 1. Last evaluated: 2013-02-08. Review status: criteria provided, single submitter. Criteria: ACMG Guidelines, 2007. Collection method: clinical testing. Allele origin: germline. Affected: yes.

Literature cited by the submitters: PubMed 1671808 (cited by Labcorp Genetics (formerly Invitae), Labcorp); PubMed 11115846 (cited by Labcorp Genetics (formerly Invitae), Labcorp); PubMed 14581661 (cited by Labcorp Genetics (formerly Invitae), Labcorp).

NM_000430.4(PAFAH1B1):c.537dup (p.Gln180fs)

Gene: PAFAH1B1 (platelet activating factor acetylhydrolase 1b regulatory subunit 1; plus strand). Cytogenetic location: 17p13.3.
Variant type: Duplication.
Coding change: c.537dup on transcript NM_000430.4 (MANE Select); coding-DNA position 537, one base duplicated (T; older notation c.537dupT).
Protein change: p.Gln180fs; shifts the reading frame from glutamine 180.
Molecular consequence: frameshift variant.
Genome position (GRCh38, 1-based): chr17:2,670,300, T duplicated; the last of 4 consecutive T bases (chr17:2,670,297-2,670,300); duplicating any one gives the same sequence. VCF-style (leftmost placement, unchanged base first): chr17-2670296-A-AT. GRCh37 (hg19) VCF-style: chr17-2573590-A-AT.
Other names: short protein forms Q180fs.
Identifiers: ClinVar variation 211826 (VCV000211826.8), dbSNP rs587784271, ClinGen allele CA276984.
Genomic context (GRCh38, chr17:2,670,296, plus strand): 5'-TCGACCACAGCGGCAAGCTTCTGGCTTCCTGTTCTGCAGATATGACCATTAAACTATGGG[A>AT]TTTTCAGGGCTTTGAATGCATCAGAACCATGCACGGTAAGGGGTAGAGGATAGTGCTTTA-3'